The following is an entry in ClinVar:

ClinVar aggregate classification (germline): Uncertain significance (1 of 4 stars; one submission).

Conditions:
Autoimmune lymphoproliferative syndrome type 2B. Also called: AUTOIMMUNE LYMPHOPROLIFERATIVE SYNDROME, TYPE IIB. Identifiers: Orphanet 275517, MedGen C1846545, MONDO:0011804, OMIM 607271.

Submission:

Labcorp Genetics (formerly Invitae), Labcorp
Classification: Uncertain significance for Autoimmune lymphoproliferative syndrome type 2B. Last evaluated: 2022-10-04. Review status: criteria provided, single submitter. Criteria: Invitae Variant Classification Sherloc (09022015). Collection method: clinical testing. Allele origin: germline.
Comment: This variant has not been reported in the literature in individuals affected with CASP8-related conditions. This variant is not present in population databases (gnomAD no frequency). This sequence change replaces methionine, which is neutral and non-polar, with isoleucine, which is neutral and non-polar, at codon 223 of the CASP8 protein (p.Met223Ile). Advanced modeling of protein sequence and biophysical properties (such as structural, functional, and spatial information, amino acid conservation, physicochemical variation, residue mobility, and thermodynamic stability) performed at Invitae indicates that this missense variant is not expected to disrupt CASP8 protein function. In summary, the available evidence is currently insufficient to determine the role of this variant in disease. Therefore, it has been classified as a Variant of Uncertain Significance.

NM_001372051.1(CASP8):c.618G>C (p.Met206Ile)

Gene: CASP8 (caspase 8; plus strand). Cytogenetic location: 2q33.1.
Variant type: single nucleotide variant.
Coding change: c.618G>C on transcript NM_001372051.1 (MANE Select); coding-DNA position 618, G replaced by C.
Protein change: p.Met206Ile; replaces methionine 206 with isoleucine.
Molecular consequence: missense variant. On other transcripts: initiator codon variant (2), non-coding transcript variant (19), intron variant (16).
Genome position (GRCh38, 1-based): chr2:201,274,911, G>C. VCF-style: chr2-201274911-G-C. GRCh37 (hg19) VCF-style: chr2-202139634-G-C.
Other names: c.573G>C, p.Met191Ile (NM_001080124.2, NM_001400658.1, NM_001400659.1 and 5 more transcripts); c.795G>C, p.Met265Ile (NM_001080125.2); c.669G>C, p.Met223Ile (NM_001228.5); c.750G>C, p.Met250Ile (NM_001400642.1); c.618G>C, p.Met206Ile (NM_001400648.1, NM_001400651.1, NM_001400653.1 and 6 more transcripts); c.309G>C, p.Met103Ile (NM_001400669.1); c.3G>C, p.Met1Ile (NM_001400674.1, NM_001400680.1); c.19-1916G>C (NM_001400677.1, NM_001400751.1, NM_001400678.1 and 2 more transcripts); and 7 more; short protein forms M103I, M191I, M1I, M206I, M223I, M250I, M265I.
Identifiers: ClinVar variation 1713475 (VCV001713475.7), dbSNP rs2470143267, ClinGen allele CA350292879.